The following is an entry in ClinVar:

ClinVar aggregate classification (germline): Uncertain significance. Review status: criteria provided, multiple submitters, no conflicts (2 of 4 stars). 2 submissions from 2 submitters: Uncertain significance (2). Last evaluated 2024-03-22.

Allele frequency attached by ClinVar (database versions not stated): gnomAD exomes below 0.00001.
gnomAD v4.1: 1 of 1,614,040 alleles (0.000062%); highest among the groups gnomAD compares: African/African-American, 0.0013%; no homozygotes.

Submissions (2):

GeneDx
Classification: Uncertain significance. Last evaluated: 2024-03-22. Review status: criteria provided, single submitter. Criteria: GeneDx Variant Classification Process June 2021. Collection method: clinical testing. Allele origin: germline. Affected: yes.
Comment: Not observed at significant frequency in large population cohorts (gnomAD); In silico analysis supports that this missense variant does not alter protein structure/function; Has not been previously published as pathogenic or benign to our knowledge

Eurofins Ntd Llc (ga)
Classification: Uncertain significance. Last evaluated: 2018-01-12. Review status: criteria provided, single submitter. Criteria: EGL Classification Definitions 2015. Collection method: clinical testing. Allele origin: germline. Observed: 1 variant allele, 1 heterozygote.

NM_004817.4(TJP2):c.274C>G (p.Pro92Ala)

Gene: TJP2 (tight junction protein 2; plus strand). Cytogenetic location: 9q21.11.
Variant type: single nucleotide variant.
Coding change: c.274C>G on transcript NM_004817.4 (MANE Select); coding-DNA position 274, C replaced by G.
Protein change: p.Pro92Ala; replaces proline 92 with alanine.
Molecular consequence: missense variant.
Genome position (GRCh38, 1-based): chr9:69,218,291, C>G. VCF-style: chr9-69218291-C-G. GRCh37 (hg19) VCF-style: chr9-71833207-C-G.
Other names: c.274C>G, p.Pro92Ala (LRG_1201t1, NM_001369872.1, NM_001369873.1 and 1 more transcripts); c.205C>G, p.Pro69Ala (NM_001170414.2, NM_001369870.1, NM_001369871.1); c.286C>G, p.Pro96Ala (NM_001170415.1, NM_001369874.1, NM_001369875.1); c.367C>G, p.Pro123Ala (NM_001170416.2); c.274C>G (NM_004817.3); short protein forms P92A, P123A, P69A, P96A.
Identifiers: ClinVar variation 595757 (VCV000595757.6), dbSNP rs1563921627, ClinGen allele CA373527006.